The following is an entry in ClinVar:

NM_002900.3(RBP3):c.1764C>A (p.Ser588Arg)

Gene: RBP3 (retinol binding protein 3; plus strand). Cytogenetic location: 10q11.22.
Variant type: single nucleotide variant.
Coding change: c.1764C>A on transcript NM_002900.3 (MANE Select); coding-DNA position 1764, C replaced by A.
Protein change: p.Ser588Arg; replaces serine 588 with arginine.
Molecular consequence: missense variant.
Genome position (GRCh38, 1-based): chr10:47,350,248, C>A. VCF-style: chr10-47350248-C-A. GRCh37 (hg19) VCF-style: chr10-48389114-G-T.
Other names: c.1764C>A (NM_002900.2); short protein forms S588R.
Identifiers: ClinVar variation 1020187 (VCV001020187.11), dbSNP rs142531022, ClinGen allele CA5487439.

ClinVar aggregate classification (germline): Conflicting classifications of pathogenicity. Review status: criteria provided, conflicting classifications (1 of 4 stars). 5 submissions from 5 submitters: Uncertain significance (4); Likely benign (1). Last evaluated 2026-03-17.

Conditions:
RBP3-related disorder. Also called: RBP3-related condition.
Inborn genetic diseases. Identifiers: MedGen C0950123, MeSH D030342.

Allele frequency attached by ClinVar (database versions not stated): gnomAD exomes 0.00003 and 0.00007; ExAC 0.00005; gnomAD 0.00034 and 0.00036; ESP Exome Variant Server 0.00038; TOPMed 0.00049.

Submissions (5):

PreventionGenetics, part of Exact Sciences
Classification: Uncertain significance for RBP3-related condition. Last evaluated: 2026-03-17. Review status: criteria provided, single submitter. Criteria: ACMG Guidelines, 2015. Collection method: clinical testing. Allele origin: germline.
Comment: The RBP3 c.1764C>A variant is predicted to result in the amino acid substitution p.Ser588Arg. To our knowledge, this variant has not been reported in the literature. This variant is reported in 0.11% of alleles in individuals of African descent in gnomAD. Although we suspect that this variant may be benign, at this time, the clinical significance of this variant is uncertain due to the absence of conclusive functional and genetic evidence.

Labcorp Genetics (formerly Invitae), Labcorp
Classification: Uncertain significance. Last evaluated: 2025-08-17. Review status: criteria provided, single submitter. Criteria: Invitae Variant Classification Sherloc (09022015). Collection method: clinical testing. Allele origin: germline.
Comment: This sequence change replaces serine, which is neutral and polar, with arginine, which is basic and polar, at codon 588 of the RBP3 protein (p.Ser588Arg). This variant is present in population databases (rs142531022, gnomAD 0.1%). This variant has not been reported in the literature in individuals affected with RBP3-related conditions. ClinVar contains an entry for this variant (Variation ID: 1020187). An algorithm developed to predict the effect of missense changes on protein structure and function (PolyPhen-2) suggests that this variant is likely to be tolerated. In summary, the available evidence is currently insufficient to determine the role of this variant in disease. Therefore, it has been classified as a Variant of Uncertain Significance.

Ambry Genetics
Classification: Uncertain significance for Inborn genetic diseases. Last evaluated: 2025-05-13. Review status: criteria provided, single submitter. Criteria: Ambry Variant Classification Scheme 2023. Collection method: clinical testing. Allele origin: germline.

Blueprint Genetics
Classification: Likely benign. Last evaluated: 2022-09-20. Review status: criteria provided, single submitter. Criteria: ACMG Guidelines, 2015. Collection method: clinical testing. Allele origin: germline.

Breakthrough Genomics
Classification: Uncertain significance. Review status: criteria provided, single submitter. Criteria: ACMG Guidelines, 2015. Collection method: not provided. Allele origin: germline. Inheritance: Autosomal recessive inheritance. Affected: yes.